The following is an entry in ClinVar:

ClinVar aggregate classification (germline): Uncertain significance (1 of 4 stars; one submission).

gnomAD v4.1: 1 of 1,614,142 alleles (0.000062%); highest among the groups gnomAD compares: Non-Finnish European, 0.000085%; no homozygotes.

Submission:

GeneDx
Classification: Uncertain significance. Last evaluated: 2025-03-25. Review status: criteria provided, single submitter. Criteria: GeneDx Variant Classification Process June 2021. Collection method: clinical testing. Allele origin: germline. Affected: yes.
Comment: Not observed at significant frequency in large population cohorts (gnomAD); In silico analysis supports that this missense variant has a deleterious effect on protein structure/function; Has not been previously published as pathogenic or benign to our knowledge

NM_004415.4(DSP):c.3899A>C (p.Gln1300Pro)

Gene: DSP (desmoplakin; plus strand). Cytogenetic location: 6p24.3.
Variant type: single nucleotide variant.
Coding change: c.3899A>C on transcript NM_004415.4 (MANE Select); coding-DNA position 3899, A replaced by C.
Protein change: p.Gln1300Pro; replaces glutamine 1300 with proline.
Molecular consequence: missense variant. On other transcripts: intron variant (1).
Genome position (GRCh38, 1-based): chr6:7,580,089, A>C. VCF-style: chr6-7580089-A-C. GRCh37 (hg19) VCF-style: chr6-7580322-A-C.
Other names: c.3899A>C, p.Gln1300Pro (NM_001319034.2); c.3582+317A>C (NM_001008844.3); short protein forms Q1300P.
Identifiers: ClinVar variation 4088123 (VCV004088123.1).